The following is an entry in ClinVar:

NM_021072.4(HCN1):c.1960A>G (p.Thr654Ala)

Gene: HCN1 (hyperpolarization activated cyclic nucleotide gated potassium channel 1; minus strand). Cytogenetic location: 5p12.
Variant type: single nucleotide variant.
Coding change: c.1960A>G on transcript NM_021072.4 (MANE Select); coding-DNA position 1960, A replaced by G.
Protein change: p.Thr654Ala; replaces threonine 654 with alanine.
Molecular consequence: missense variant.
Genome position (GRCh38, 1-based): chr5:45,262,634, T>C on the plus strand (A>G on the coding strand, the complement: HCN1 is on the minus strand). VCF-style: chr5-45262634-T-C. GRCh37 (hg19) VCF-style: chr5-45262736-T-C.
Other names: short protein forms T654A.
Identifiers: ClinVar variation 944550 (VCV000944550.10), dbSNP rs1744773562, ClinGen allele CA359704338.

ClinVar aggregate classification (germline): Uncertain significance (1 of 4 stars; one submission).

Conditions:
Early-infantile DEE. Also called: Early infantile epileptic encephalopathy; Ohtahara syndrome; Early infantile epileptic encephalopathy with suppression bursts. Identifiers: Orphanet 1934, MedGen C0393706, MONDO:0800491.

Allele frequency attached by ClinVar (database versions not stated): gnomAD exomes below 0.00001.
gnomAD v4.1: 1 of 1,613,926 alleles (0.000062%); highest among the groups gnomAD compares: South Asian, 0.0011%; no homozygotes.

Submission:

Labcorp Genetics (formerly Invitae), Labcorp
Classification: Uncertain significance for Early-infantile DEE. Last evaluated: 2025-02-24. Review status: criteria provided, single submitter. Criteria: Invitae Variant Classification Sherloc (09022015). Collection method: clinical testing. Allele origin: germline.
Comment: This sequence change replaces threonine, which is neutral and polar, with alanine, which is neutral and non-polar, at codon 654 of the HCN1 protein (p.Thr654Ala). This variant is not present in population databases (gnomAD no frequency). This variant has not been reported in the literature in individuals affected with HCN1-related conditions. ClinVar contains an entry for this variant (Variation ID: 944550). Invitae Evidence Modeling of protein sequence and biophysical properties (such as structural, functional, and spatial information, amino acid conservation, physicochemical variation, residue mobility, and thermodynamic stability) indicates that this missense variant is not expected to disrupt HCN1 protein function with a negative predictive value of 95%. In summary, the available evidence is currently insufficient to determine the role of this variant in disease. Therefore, it has been classified as a Variant of Uncertain Significance.